The following is an entry in ClinVar:

NM_014044.7(UNC50):c.644-28_644-27dup

Gene: UNC50 (unc-50 inner nuclear membrane RNA binding protein; plus strand). Cytogenetic location: 2q11.2.
Variant type: Duplication.
Coding change: c.644-28_644-27dup on transcript NM_014044.7 (MANE Select); 28 bases into the intron before coding-DNA position 644 through 27 bases into the intron before coding-DNA position 644, 2 bases duplicated (AA; older notation c.644-28_644-27dupAA).
Molecular consequence: intron variant.
Genome position (GRCh38, 1-based): chr2:98,618,140-98,618,141, AA duplicated; duplicating any 2 consecutive bases within chr2:98,618,139-98,618,141 gives the same sequence; the c. name uses the placement nearest the transcript's 3' end. VCF-style (leftmost placement, unchanged base first): chr2-98618138-T-TAA. GRCh37 (hg19) VCF-style: chr2-99234601-T-TAA.
Other names: c.695-28_695-27dup (NM_001330354.2); c.644-6_644-5dup (NM_001330353.2).
Identifiers: ClinVar variation 3056380 (VCV003056380.2), dbSNP rs1553534036, ClinGen allele CA1795379.

ClinVar aggregate classification (germline): Benign (0 of 4 stars; one submission).

Conditions:
UNC50-related disorder. Also called: UNC50-related condition.

Submission:

PreventionGenetics, part of Exact Sciences
Classification: Benign for UNC50-related condition. Last evaluated: 2019-08-29. Review status: no assertion criteria provided. Collection method: clinical testing. Allele origin: germline.
Comment: This variant is classified as benign based on ACMG/AMP sequence variant interpretation guidelines (Richards et al. 2015 PMID: 25741868, with internal and published modifications).